The following is an entry in ClinVar:

ClinVar aggregate classification (germline): Uncertain significance. Review status: criteria provided, multiple submitters, no conflicts (2 of 4 stars). 3 submissions from 3 submitters: Uncertain significance (3). Last evaluated 2024-03-06.

Conditions:
Hereditary cancer-predisposing syndrome. Also called: Neoplastic Syndromes, Hereditary; Tumor predisposition; Hereditary Cancer Syndrome; Hereditary neoplastic syndrome. Identifiers: Orphanet 140162, MedGen C0027672, MeSH D009386, MONDO:0015356.
Breast-ovarian cancer, familial, susceptibility to, 4. Identifiers: Orphanet 145, MedGen C3280345, MONDO:0013669, OMIM 614291.

Submissions (3):

Color Diagnostics, LLC DBA Color Health
Classification: Uncertain significance for Hereditary cancer-predisposing syndrome. Last evaluated: 2024-03-06. Review status: criteria provided, single submitter. Criteria: ACMG Guidelines, 2015. Collection method: clinical testing. Allele origin: germline.
Comment: This missense variant replaces valine with leucine at codon 106 of the RAD51D protein. Computational prediction suggests that this variant may not impact protein structure and function (internally defined REVEL score threshold <= 0.5, PMID: 27666373). Splice site prediction tools suggest that this variant may not impact RNA splicing. To our knowledge, functional studies have not been performed for this variant. This variant has not been reported in individuals affected with hereditary cancer in the literature. This variant has not been identified in the general population by the Genome Aggregation Database (gnomAD). The available evidence is insufficient to determine the role of this variant in disease conclusively. Therefore, this variant is classified as a Variant of Uncertain Significance.

Ambry Genetics
Classification: Uncertain significance for Hereditary cancer-predisposing syndrome. Last evaluated: 2024-01-31. Review status: criteria provided, single submitter. Criteria: Ambry Variant Classification Scheme 2023. Collection method: clinical testing. Allele origin: germline.
Comment: The p.V106L variant (also known as c.316G>C), located in coding exon 4 of the RAD51D gene, results from a G to C substitution at nucleotide position 316. The valine at codon 106 is replaced by leucine, an amino acid with highly similar properties. This amino acid position is well conserved in available vertebrate species. In addition, the in silico prediction for this alteration is inconclusive. Based on the available evidence, the clinical significance of this alteration remains unclear.

Labcorp Genetics (formerly Invitae), Labcorp
Classification: Uncertain significance for Breast-ovarian cancer, familial, susceptibility to, 4. Last evaluated: 2024-01-06. Review status: criteria provided, single submitter. Criteria: Invitae Variant Classification Sherloc (09022015). Collection method: clinical testing. Allele origin: germline.
Comment: This sequence change replaces valine, which is neutral and non-polar, with leucine, which is neutral and non-polar, at codon 106 of the RAD51D protein (p.Val106Leu). This variant is not present in population databases (gnomAD no frequency). This variant has not been reported in the literature in individuals affected with RAD51D-related conditions. ClinVar contains an entry for this variant (Variation ID: 232692). Advanced modeling of protein sequence and biophysical properties (such as structural, functional, and spatial information, amino acid conservation, physicochemical variation, residue mobility, and thermodynamic stability) performed at Invitae indicates that this missense variant is not expected to disrupt RAD51D protein function with a negative predictive value of 80%. In summary, the available evidence is currently insufficient to determine the role of this variant in disease. Therefore, it has been classified as a Variant of Uncertain Significance.

NM_002878.4(RAD51D):c.316G>C (p.Val106Leu)

Genes: RAD51D (RAD51 paralog D; minus strand), RAD51L3-RFFL (RAD51L3-RFFL readthrough; minus strand). Cytogenetic location: 17q12.
Variant type: single nucleotide variant.
Coding change: c.316G>C on transcript NM_002878.4 (MANE Select); coding-DNA position 316, G replaced by C.
Protein change: p.Val106Leu; replaces valine 106 with leucine.
Molecular consequence: missense variant. On other transcripts: non-coding transcript variant (2), intron variant (1).
Genome position (GRCh38, 1-based): chr17:35,107,395, C>G on the plus strand (G>C on the coding strand, the complement: RAD51D is on the minus strand). VCF-style: chr17-35107395-C-G. GRCh37 (hg19) VCF-style: chr17-33434414-C-G.
Other names: c.376G>C, p.Val126Leu (NM_001142571.2); c.145-914G>C (NM_133629.3); short protein forms V106L, V126L.
Identifiers: ClinVar variation 232692 (VCV000232692.18), dbSNP rs876659926, ClinGen allele CA10580466.